The following is an entry in ClinVar:

ClinVar aggregate classification (germline): Uncertain significance. Review status: criteria provided, multiple submitters, no conflicts (2 of 4 stars). 2 submissions from 2 submitters: Uncertain significance (2). Last evaluated 2026-02-22.

Conditions:
Primary ciliary dyskinesia. Also called: Ciliary dyskinesia. Identifiers: Orphanet 244, MedGen C0008780, MONDO:0016575, HP:0012265.

Allele frequency attached by ClinVar (database versions not stated): gnomAD exomes below 0.00001; gnomAD 0.00001; TOPMed 0.00002.
gnomAD v4.1: 9 of 1,614,136 alleles (0.00056%); highest among the groups gnomAD compares: African/African-American, 0.0027%; no homozygotes.

Submissions (2):

Ambry Genetics
Classification: Uncertain significance for Primary ciliary dyskinesia. Last evaluated: 2026-02-22. Review status: criteria provided, single submitter. Criteria: Ambry Variant Classification Scheme 2023. Collection method: clinical testing. Allele origin: germline.
Comment: The p.Q566R variant (also known as c.1697A>G), located in coding exon 10 of the DNAAF1 gene, results from an A to G substitution at nucleotide position 1697. The glutamine at codon 566 is replaced by arginine, an amino acid with highly similar properties. This amino acid position is conserved. In addition, this alteration is predicted to be tolerated by in silico analysis. Based on the available evidence, the clinical significance of this variant remains unclear.

Labcorp Genetics (formerly Invitae), Labcorp
Classification: Uncertain significance for Primary ciliary dyskinesia. Last evaluated: 2023-09-17. Review status: criteria provided, single submitter. Criteria: Invitae Variant Classification Sherloc (09022015). Collection method: clinical testing. Allele origin: germline.
Comment: In summary, the available evidence is currently insufficient to determine the role of this variant in disease. Therefore, it has been classified as a Variant of Uncertain Significance. Algorithms developed to predict the effect of sequence changes on RNA splicing suggest that this variant may disrupt the consensus splice site. Algorithms developed to predict the effect of missense changes on protein structure and function output the following: SIFT: "Not Available"; PolyPhen-2: "Benign"; Align-GVGD: "Not Available". The arginine amino acid residue is found in multiple mammalian species, which suggests that this missense change does not adversely affect protein function. This variant has not been reported in the literature in individuals affected with DNAAF1-related conditions. This variant is present in population databases (no rsID available, gnomAD 0.01%). This sequence change replaces glutamine, which is neutral and polar, with arginine, which is basic and polar, at codon 566 of the DNAAF1 protein (p.Gln566Arg).

NM_178452.6(DNAAF1):c.1697A>G (p.Gln566Arg)

Gene: DNAAF1 (dynein axonemal assembly factor 1; plus strand). Cytogenetic location: 16q24.1.
Variant type: single nucleotide variant.
Coding change: c.1697A>G on transcript NM_178452.6 (MANE Select); coding-DNA position 1697, A replaced by G.
Protein change: p.Gln566Arg; replaces glutamine 566 with arginine.
Molecular consequence: missense variant.
Genome position (GRCh38, 1-based): chr16:84,174,721, A>G. VCF-style: chr16-84174721-A-G. GRCh37 (hg19) VCF-style: chr16-84208327-A-G.
Other names: c.1697A>G (NM_178452.4); c.989A>G, p.Gln330Arg (NM_001318756.1); short protein forms Q566R, Q330R.
Identifiers: ClinVar variation 2806124 (VCV002806124.4), dbSNP rs1290395779, ClinGen allele CA396950071.